The following is an entry in ClinVar:

ClinVar aggregate classification (germline): Conflicting classifications of pathogenicity. Review status: criteria provided, conflicting classifications (1 of 4 stars). 2 submissions from 2 submitters: Likely pathogenic (1); Uncertain significance (1). Last evaluated 2022-10-26.

Submissions (2):

Labcorp Genetics (formerly Invitae), Labcorp
Classification: Likely pathogenic. Last evaluated: 2022-10-26. Review status: criteria provided, single submitter. Criteria: Invitae Variant Classification Sherloc (09022015). Collection method: clinical testing. Allele origin: germline.
Comment: This variant is not present in population databases (gnomAD no frequency). This sequence change replaces isoleucine, which is neutral and non-polar, with threonine, which is neutral and polar, at codon 133 of the RS1 protein (p.Ile133Thr). In summary, the currently available evidence indicates that the variant is pathogenic, but additional data are needed to prove that conclusively. Therefore, this variant has been classified as Likely Pathogenic. This variant disrupts the p.Ile133 amino acid residue in RS1. Other variant(s) that disrupt this residue have been observed in individuals with RS1-related conditions (PMID: 15944839), which suggests that this may be a clinically significant amino acid residue. Advanced modeling of protein sequence and biophysical properties (such as structural, functional, and spatial information, amino acid conservation, physicochemical variation, residue mobility, and thermodynamic stability) performed at Invitae indicates that this missense variant is expected to disrupt RS1 protein function. This missense change has been observed in individual(s) with clinical features of retinoschisis (Invitae).

Blueprint Genetics
Classification: Uncertain significance. Last evaluated: 2022-03-11. Review status: criteria provided, single submitter. Criteria: ACMG Guidelines, 2015. Collection method: clinical testing. Allele origin: germline.

Literature cited by the submitters: PubMed 15944839 (cited by Labcorp Genetics (formerly Invitae), Labcorp).

NM_000330.4(RS1):c.398T>C (p.Ile133Thr)

Genes: CDKL5 (cyclin dependent kinase like 5; plus strand), RS1 (retinoschisin 1; minus strand). Cytogenetic location: Xp22.13.
Variant type: single nucleotide variant.
Coding change: c.398T>C on transcript NM_000330.4 (MANE Select); coding-DNA position 398, T replaced by C.
Protein change: p.Ile133Thr; replaces isoleucine 133 with threonine.
Molecular consequence: missense variant. On other transcripts: intron variant (2).
Genome position (GRCh38, 1-based): chrX:18,644,554, A>G on the plus strand (T>C on the coding strand, the complement: RS1 is on the minus strand). VCF-style: chrX-18644554-A-G. GRCh37 (hg19) VCF-style: chrX-18662674-A-G.
Other names: c.2714-1453A>G (NM_003159.3, NM_001037343.2); short protein forms I133T.
Identifiers: ClinVar variation 2809793 (VCV002809793.4), dbSNP rs2518919897, ClinGen allele CA412372038.